The following is an entry in ClinVar:

ClinVar aggregate classification (germline): Uncertain significance (1 of 4 stars; one submission).

Allele frequency attached by ClinVar (database versions not stated): gnomAD 0.00007; TOPMed 0.00008; gnomAD exomes 0.00009; ExAC 0.00017; ESP Exome Variant Server 0.00017.
gnomAD v4.1: 131 of 1,606,150 alleles (0.0082%); highest among the groups gnomAD compares: Middle Eastern, 0.066%; no homozygotes.

Submission:

Labcorp Genetics (formerly Invitae), Labcorp
Classification: Uncertain significance. Last evaluated: 2024-10-18. Review status: criteria provided, single submitter. Criteria: Invitae Variant Classification Sherloc (09022015). Collection method: clinical testing. Allele origin: germline.
Comment: This sequence change replaces glutamic acid, which is acidic and polar, with aspartic acid, which is acidic and polar, at codon 326 of the LARP7 protein (p.Glu326Asp). This variant is present in population databases (rs200072154, gnomAD 0.02%). This variant has not been reported in the literature in individuals affected with LARP7-related conditions. ClinVar contains an entry for this variant (Variation ID: 1361473). Invitae Evidence Modeling of protein sequence and biophysical properties (such as structural, functional, and spatial information, amino acid conservation, physicochemical variation, residue mobility, and thermodynamic stability) indicates that this missense variant is not expected to disrupt LARP7 protein function with a negative predictive value of 80%. In summary, the available evidence is currently insufficient to determine the role of this variant in disease. Therefore, it has been classified as a Variant of Uncertain Significance.

NM_016648.4(LARP7):c.978A>T (p.Glu326Asp)

Genes: LARP7 (La ribonucleoprotein 7, transcriptional regulator; plus strand), MIR302CHG (miR-302/367 cluster host gene; minus strand). Cytogenetic location: 4q25.
Variant type: single nucleotide variant.
Coding change: c.978A>T on transcript NM_016648.4 (MANE Select); coding-DNA position 978, A replaced by T.
Protein change: p.Glu326Asp; replaces glutamic acid 326 with aspartic acid.
Molecular consequence: missense variant.
Genome position (GRCh38, 1-based): chr4:112,647,530, A>T. VCF-style: chr4-112647530-A-T. GRCh37 (hg19) VCF-style: chr4-113568686-A-T.
Other names: c.978A>T, p.Glu326Asp (NM_001267039.4, NM_001370974.1, NM_001370975.1 and 2 more transcripts); c.975A>T, p.Glu325Asp (NM_001370976.1, NM_001370977.1, NM_001370979.1 and 1 more transcripts); c.741A>T, p.Glu247Asp (NM_001370981.1, NM_001370982.1); short protein forms E325D, E326D, E247D.
Identifiers: ClinVar variation 1361473 (VCV001361473.4), dbSNP rs200072154, ClinGen allele CA3049317.